The following is an entry in ClinVar:

ClinVar aggregate classification (germline): Pathogenic. Review status: criteria provided, multiple submitters, no conflicts (2 of 4 stars). 2 submissions from 2 submitters: Pathogenic (2). Last evaluated 2023-09-26.

Submissions (2):

GeneDx
Classification: Pathogenic. Last evaluated: 2023-09-26. Review status: criteria provided, single submitter. Criteria: GeneDx Variant Classification Process June 2021. Collection method: clinical testing. Allele origin: germline. Affected: yes.
Comment: Frameshift variant predicted to result in protein truncation or nonsense mediated decay in a gene for which loss of function is a known mechanism of disease; Not observed at significant frequency in large population cohorts (gnomAD); Has not been previously published as pathogenic or benign to our knowledge

Labcorp Genetics (formerly Invitae), Labcorp
Classification: Pathogenic. Last evaluated: 2023-08-06. Review status: criteria provided, single submitter. Criteria: Invitae Variant Classification Sherloc (09022015). Collection method: clinical testing. Allele origin: germline.
Comment: For these reasons, this variant has been classified as Pathogenic. ClinVar contains an entry for this variant (Variation ID: 429833). This variant has not been reported in the literature in individuals affected with FH-related conditions. This variant is not present in population databases (gnomAD no frequency). This sequence change creates a premature translational stop signal (p.Ala294Leufs*35) in the FH gene. It is expected to result in an absent or disrupted protein product. Loss-of-function variants in FH are known to be pathogenic (PMID: 11865300, 21398687).

Literature cited by the submitters: PubMed 11865300 (cited by Labcorp Genetics (formerly Invitae), Labcorp); PubMed 21398687 (cited by Labcorp Genetics (formerly Invitae), Labcorp).

NM_000143.4(FH):c.879del (p.Ala294fs)

Gene: FH (fumarate hydratase; minus strand). Cytogenetic location: 1q43.
Variant type: Deletion.
Coding change: c.879del on transcript NM_000143.4 (MANE Select); coding-DNA position 879, one base deleted (T; older notation c.879delT).
Protein change: p.Ala294fs; shifts the reading frame from alanine 294.
Molecular consequence: frameshift variant.
Genome position (GRCh38, 1-based): chr1:241,506,028, A deleted on the plus strand (T on the coding strand, the reverse complement: FH is on the minus strand); the first of 2 consecutive A bases (chr1:241,506,028-241,506,029); deleting either gives the same sequence. VCF-style (leftmost placement, unchanged base first): chr1-241506027-CA-C. GRCh37 (hg19) VCF-style: chr1-241669327-CA-C.
Other names: c.879delT (NM_000143.3); c.879del (NM_000143.3); short protein forms A294fs.
Identifiers: ClinVar variation 429833 (VCV000429833.7), dbSNP rs1131691622, ClinGen allele CA645369174.
Genomic context (GRCh38, chr1:241,506,027, plus strand): 5'-AAATGAAAATGAGAAATAATTCACGTGATCACTAACCTGTAAGTGCAGCCACTTTTGCAG[CA>C]ACCTTTTCTGCAAAGCCAATTCTAGTATTTAAACCTGTACCAACAGCAGTGCCTCCAGCT-3'